The following is an entry in ClinVar:

ClinVar aggregate classification (germline): Pathogenic. Review status: reviewed by expert panel (3 of 4 stars). 5 submissions from 5 submitters: Pathogenic (1). 4 of the submissions do not count toward it. Last evaluated 2024-02-02.

Conditions:
Hereditary factor VIII deficiency disease (HEMA). Also called: HEMOPHILIA, CLASSIC; AUTOSOMAL HEMOPHILIA A; Hemophilia A; Hemophilia A, congenital; HEM A; Factor 8 deficiency, congenital. Identifiers: Orphanet 98878, MedGen C0019069, MONDO:0010602, OMIM 306700.

Allele frequency attached by ClinVar (database versions not stated): ExAC 0.00001; gnomAD exomes 0.00001.

Submissions (5):

ClinGen Coagulation Factor Deficiency Variant Curation Expert Panel, Clingen
Classification: Pathogenic for Hereditary factor VIII deficiency disease. Last evaluated: 2024-02-02. Review status: reviewed by expert panel. Criteria: ClinGen CoagFactor ACMG Specifications F8 V1.0.0. Collection method: curation. Allele origin: germline. Inheritance: X-linked inheritance.
Comment: The c.1063C>T (p.Arg355Ter) variant is a nonsense variant that is predicted to introduce a premature stop codon in exon 8/26 and expected to result in nonsense-mediated mRNA decay, which meets PVS1 criteria. At least 20 probands from the literature reviewed below are reported to be hemizygous for the Arg355Ter variant, with severe Hemophilia A (FVIII:C <1%), which meets the PP4_Moderate and PS4_Very strong criteria. Inhibitors are reported in a few of these patients. One de novo occurrence without confirmation of maternity or paternity and an expected severe phenotype is reported in PMID: 29381227, which meets the PS2_Moderate criteria. Two siblings in one family in PMID: 15996930 are noted to have severe HA and the Arg355Ter variant, which meets PP1 criteria. In summary, this variant meets criteria to be classified as pathogenic. ACMG/AMP criteria applied, as specified by the Coagulation Factor Deficiency Variant Curation Expert Panel for F8/F9: PVS1, PS4_Very Strong, PP4_Moderate, PS2_Moderate, PP1, PM2_Supporting.

Myriad Genetics, Inc.
Classification: Pathogenic for Hereditary factor VIII deficiency disease. Last evaluated: 2024-07-17. Review status: criteria provided, single submitter. Criteria: Myriad Autosomal Dominant, Autosomal Recessive and X-Linked Classification Criteria (2023). Collection method: clinical testing. Allele origin: unknown. Not counted in ClinVar's aggregate classification.
Comment: NM_000132.3(F8):c.1063C>T(R355*) is expected to be pathogenic in the context of hemophilia A. This variant is predicted to lead to an abnormal or absent protein product due to the creation of a premature termination codon in F8, a gene where loss-of-function variants are known to be pathogenic. Please note: this variant was assessed in the context of healthy population screening.

ARUP Laboratories, Molecular Genetics and Genomics, ARUP Laboratories
Classification: Pathogenic. Last evaluated: 2023-12-26. Review status: criteria provided, single submitter. Criteria: ARUP Molecular Germline Variant Investigation Process 2024. Collection method: clinical testing. Allele origin: germline. Not counted in ClinVar's aggregate classification.
Comment: The F8 c.1063C>T; p.Arg355Ter variant (rs137852368) is reported in numerous individuals with severe hemophilia A (see Factor VIII Variant Database and references therein), and is also reported in ClinVar (Variation ID: 10139). This variant is only observed on one allele in the Genome Aggregation Database, indicating it is not a common polymorphism. This variant induces an early termination codon and is predicted to result in a truncated protein or mRNA subject to nonsense-mediated decay. Based on available information, this variant is considered to be pathogenic. References: Factor VIII Variant Database

3billion
Classification: Pathogenic for Hereditary factor VIII deficiency disease. Last evaluated: 2023-02-23. Review status: criteria provided, single submitter. Criteria: ACMG Guidelines, 2015. Collection method: clinical testing. Allele origin: unknown. Affected: yes. Not counted in ClinVar's aggregate classification.
Comment: The variant is observed at an extremely low frequency in the gnomAD v2.1.1 dataset (total allele frequency: <0.001%). This variant was predicted to result in a loss or disruption of normal protein function through nonsense-mediated decay (NMD) or protein truncation. Multiple pathogenic variants are reported downstream of the variant. The variant has been reported at least twice as pathogenic (ClinVar ID: VCV000010139 / PMID: 3137981). Therefore, this variant is classified as Pathogenic according to the recommendation of ACMG/AMP guideline.

OMIM
Classification: Pathogenic for HEMOPHILIA A. Last evaluated: 1985-05-30. Review status: no assertion criteria provided. Collection method: literature only. Allele origin: germline. Not counted in ClinVar's aggregate classification.

Literature cited by the submitters: PubMed 3137981 (cited by 3billion); PubMed 2987704 (cited by OMIM).

NM_000132.4(F8):c.1063C>T (p.Arg355Ter)

Gene: F8 (coagulation factor VIII; minus strand). Cytogenetic location: Xq28.
Variant type: single nucleotide variant.
Coding change: c.1063C>T on transcript NM_000132.4 (MANE Select); coding-DNA position 1063, C replaced by T.
Protein change: p.Arg355Ter; replaces arginine 355 with a stop codon.
Molecular consequence: nonsense.
Genome position (GRCh38, 1-based): chrX:154,966,634, G>A on the plus strand (C>T on the coding strand, the complement: F8 is on the minus strand). VCF-style: chrX-154966634-G-A. GRCh37 (hg19) VCF-style: chrX-154194909-G-A.
Other names: F8, ARG336TER; R336*; NM_000132.3(F8):c.1063C>T; p.Arg355Ter; short protein forms R355*.
Identifiers: ClinVar variation 10139 (VCV000010139.13), dbSNP rs137852368, ClinGen allele CA255031.